The following is an entry in ClinVar:

ClinVar aggregate classification (germline): Uncertain significance (1 of 4 stars; one submission).

Conditions:
Renal cell carcinoma. Identifiers: Orphanet 217071, MedGen C0007134, MeSH D002292, MONDO:0005086, HP:0005584.

Submission:

Labcorp Genetics (formerly Invitae), Labcorp
Classification: Uncertain significance for Renal cell carcinoma. Last evaluated: 2023-11-27. Review status: criteria provided, single submitter. Criteria: Invitae Variant Classification Sherloc (09022015). Collection method: clinical testing. Allele origin: germline.
Comment: This sequence change replaces serine, which is neutral and polar, with arginine, which is basic and polar, at codon 1272 of the MET protein (p.Ser1272Arg). This variant is not present in population databases (gnomAD no frequency). This variant has not been reported in the literature in individuals affected with MET-related conditions. ClinVar contains an entry for this variant (Variation ID: 2128319). Advanced modeling of protein sequence and biophysical properties (such as structural, functional, and spatial information, amino acid conservation, physicochemical variation, residue mobility, and thermodynamic stability) performed at Invitae indicates that this missense variant is expected to disrupt MET protein function with a positive predictive value of 80%. In summary, the available evidence is currently insufficient to determine the role of this variant in disease. Therefore, it has been classified as a Variant of Uncertain Significance.

NM_000245.4(MET):c.3760A>C (p.Ser1254Arg)

Gene: MET (MET proto-oncogene, receptor tyrosine kinase; plus strand). Cytogenetic location: 7q31.2.
Variant type: single nucleotide variant.
Coding change: c.3760A>C on transcript NM_000245.4 (MANE Select); coding-DNA position 3760, A replaced by C.
Protein change: p.Ser1254Arg; replaces serine 1254 with arginine.
Molecular consequence: missense variant.
Genome position (GRCh38, 1-based): chr7:116,783,431, A>C. VCF-style: chr7-116783431-A-C. GRCh37 (hg19) VCF-style: chr7-116423485-A-C.
Other names: c.3814A>C, p.Ser1272Arg (NM_001127500.3); c.2470A>C, p.Ser824Arg (NM_001324402.2); short protein forms S1272R, S824R, S1254R.
Identifiers: ClinVar variation 2128319 (VCV002128319.4), dbSNP rs2485836430, ClinGen allele CA368991935.